The following is an entry in ClinVar:

NM_182961.4(SYNE1):c.21152T>C (p.Ile7051Thr)

Gene: SYNE1 (spectrin repeat containing nuclear envelope protein 1; minus strand). Cytogenetic location: 6q25.2.
Variant type: single nucleotide variant.
Coding change: c.21152T>C on transcript NM_182961.4 (MANE Select); coding-DNA position 21152, T replaced by C.
Protein change: p.Ile7051Thr; replaces isoleucine 7051 with threonine.
Molecular consequence: missense variant.
Genome position (GRCh38, 1-based): chr6:152,230,590, A>G on the plus strand (T>C on the coding strand, the complement: SYNE1 is on the minus strand). VCF-style: chr6-152230590-A-G. GRCh37 (hg19) VCF-style: chr6-152551725-A-G.
Other names: c.20939T>C, p.Ile6980Thr (NM_033071.5); short protein forms I6980T, I7051T.
Identifiers: ClinVar variation 3571823 (VCV003571823.1).

ClinVar aggregate classification (germline): Uncertain significance (1 of 4 stars; one submission).

gnomAD v4.1: 7 of 1,613,974 alleles (0.00043%); highest among the groups gnomAD compares: East Asian, 0.011%; no homozygotes.

Submission:

Athena Diagnostics
Classification: Uncertain significance. Last evaluated: 2024-05-17. Review status: criteria provided, single submitter. Criteria: Athena Diagnostics Criteria. Collection method: clinical testing. Allele origin: unknown.
Comment: Available data are insufficient to determine the clinical significance of the variant at this time. The frequency of this variant in the general population is uninformative in assessment of its pathogenicity. Polyphen and MutationTaster yielded discordant predictions regarding whether this amino acid change is damaging to the protein.